The following is an entry in ClinVar:

ClinVar aggregate classification (germline): Uncertain significance (1 of 4 stars; one submission).

Conditions:
Hereditary sensory and autonomic neuropathy type 6. Also called: HSAN VI; Neuropathy, hereditary sensory and autonomic, type VI. Identifiers: Orphanet 314381, MedGen C3539003, MONDO:0013839, OMIM 614653.
Epidermolysis bullosa simplex 3, localized or generalized intermediate, with BP230 deficiency (EBS3). Also called: Epidermolysis bullosa simplex due to BP230 deficiency; Epidermolysis bullosa simplex, autosomal recessive 2. Identifiers: Orphanet 412181, MedGen C3809470, MONDO:0014180, OMIM 615425.

Allele frequency attached by ClinVar (database versions not stated): ExAC 0.00001.
gnomAD v4.1: 9 of 1,569,664 alleles (0.00057%); highest among the groups gnomAD compares: African/African-American, 0.0027%; no homozygotes.

Submission:

Labcorp Genetics (formerly Invitae), Labcorp
Classification: Uncertain significance for Epidermolysis bullosa simplex 3, localized or generalized intermediate, with BP230 deficiency; Hereditary sensory and autonomic neuropathy type 6. Last evaluated: 2022-05-16. Review status: criteria provided, single submitter. Criteria: Invitae Variant Classification Sherloc (09022015). Collection method: clinical testing. Allele origin: germline.
Comment: The DST gene has multiple clinically relevant transcripts. This variant occurs in alternate transcript NM_015548.4, and corresponds to NM_001723.5:c.*111404G>A in the primary transcript. This sequence change falls in intron 58 of the DST gene. It does not directly change the encoded amino acid sequence of the DST protein. This variant is not present in population databases (gnomAD no frequency). This variant has not been reported in the literature in individuals affected with DST-related conditions. Experimental studies and prediction algorithms are not available or were not evaluated, and the effect of this variant on mRNA splicing is currently unknown. In summary, the available evidence is currently insufficient to determine the role of this variant in disease. Therefore, it has been classified as a Variant of Uncertain Significance.

NM_001374736.1(DST):c.19465-15G>A

Gene: DST (dystonin; minus strand). Cytogenetic location: 6p12.1.
Variant type: single nucleotide variant.
Coding change: c.19465-15G>A on transcript NM_001374736.1 (MANE Select); 15 bases into the intron before coding-DNA position 19465, G replaced by A.
Molecular consequence: intron variant.
Genome position (GRCh38, 1-based): chr6:56,504,113, C>T on the plus strand (G>A on the coding strand, the complement: DST is on the minus strand). VCF-style: chr6-56504113-C-T. GRCh37 (hg19) VCF-style: chr6-56368911-C-T.
Other names: c.13108-15G>A (NM_001144769.5); c.19465-15G>A (NM_001374722.1); c.19492-15G>A (NM_001374734.1); c.12694-15G>A (NM_001144770.2); c.12247-15G>A (NM_001374730.1); c.12574-15G>A (NM_001386100.1, NM_183380.4); c.18505-15G>A (NM_001374729.1); c.11596-15G>A (NM_015548.5).
Identifiers: ClinVar variation 2158900 (VCV002158900.1), dbSNP rs767610016, ClinGen allele CA3866975.